The following is an entry in ClinVar:

NM_006214.4(PHYH):c.840C>A (p.Cys280Ter)

Gene: PHYH (phytanoyl-CoA 2-hydroxylase; minus strand). Cytogenetic location: 10p13.
Variant type: single nucleotide variant.
Coding change: c.840C>A on transcript NM_006214.4 (MANE Select); coding-DNA position 840, C replaced by A.
Protein change: p.Cys280Ter; replaces cysteine 280 with a stop codon.
Molecular consequence: nonsense.
Genome position (GRCh38, 1-based): chr10:13,281,099, G>T on the plus strand (C>A on the coding strand, the complement: PHYH is on the minus strand). VCF-style: chr10-13281099-G-T. GRCh37 (hg19) VCF-style: chr10-13323099-G-T.
Other names: c.540C>A, p.Cys180Ter (NM_001037537.2, NM_001323080.2); c.846C>A, p.Cys282Ter (NM_001323082.2); c.576C>A, p.Cys192Ter (NM_001323083.2); c.546C>A, p.Cys182Ter (NM_001323084.2); short protein forms C280*, C182*, C192*, C180*, C282*.
Identifiers: ClinVar variation 379919 (VCV000379919.2), dbSNP rs1057520786, ClinGen allele CA16605832.

ClinVar aggregate classification (germline): Pathogenic (1 of 4 stars; one submission).

Submission:

GeneDx
Classification: Pathogenic. Last evaluated: 2015-06-16. Review status: criteria provided, single submitter. Criteria: GeneDx Variant Classification (06012015). Collection method: clinical testing. Allele origin: germline. Affected: yes.
Comment: The C280X variant in the PHYH gene has not been reported previously as a pathogenic variant nor as a benign polymorphism. This variant is predicted to cause loss of normal protein function either through protein truncation or nonsense-mediated mRNA decay. The C280X variant was not observed in approximately 6,500 individuals of European and African American ancestry in the NHLBI Exome Sequencing Project, indicating it is not a common benign variant in these populations. Other loss-of-function variants have been reported in PHYH (Stenson et al. 2014). Therefore, we interpret C280X as a pathogenic variant.